The following is an entry in ClinVar:

ClinVar aggregate classification (germline): Uncertain significance. Review status: criteria provided, multiple submitters, no conflicts (2 of 4 stars). 3 submissions from 3 submitters: Uncertain significance (3). Last evaluated 2026-02-20.

Conditions:
Inborn genetic diseases. Identifiers: MedGen C0950123, MeSH D030342.
Autosomal recessive severe congenital neutropenia due to JAGN1 deficiency. Also called: Severe congenital neutropenia 6, autosomal recessive. Identifiers: Orphanet 423384, MedGen C4014954, MONDO:0014456, OMIM 616022.

Allele frequency attached by ClinVar (database versions not stated): TOPMed 0.00001.

Submissions (3):

St. Jude Molecular Pathology, St. Jude Children's Research Hospital
Classification: Uncertain significance for Autosomal recessive severe congenital neutropenia due to JAGN1 deficiency. Last evaluated: 2026-02-20. Review status: criteria provided, single submitter. Criteria: St. Jude Assertion Criteria 2020. Collection method: clinical testing. Allele origin: germline.
Comment: The JAGN1 c.46G>T p.(Asp16Tyr) missense change has a maximum subpopulation frequency of 0.00092% in gnomAD v2.1.1. The in silico tool REVEL predicts a delet erious effect on protein function, but to our knowledge this prediction has not been confirmed by functional studies. To our knowledge, this variant has not been reported in JAGN1-associated congenital neutropenia. In summary, the evidence currently avai lable is insufficient to determine the clinical significance of this variant. It has therefore been classified as of uncertain significance.

Ambry Genetics
Classification: Uncertain significance for Inborn genetic diseases. Last evaluated: 2025-10-07. Review status: criteria provided, single submitter. Criteria: Ambry Variant Classification Scheme 2023. Collection method: clinical testing. Allele origin: germline.

Labcorp Genetics (formerly Invitae), Labcorp
Classification: Uncertain significance for Autosomal recessive severe congenital neutropenia due to JAGN1 deficiency. Last evaluated: 2018-12-04. Review status: criteria provided, single submitter. Criteria: Invitae Variant Classification Sherloc (09022015). Collection method: clinical testing. Allele origin: germline.
Comment: This sequence change replaces aspartic acid with tyrosine at codon 16 of the JAGN1 protein (p.Asp16Tyr). The aspartic acid residue is highly conserved and there is a large physicochemical difference between aspartic acid and tyrosine. This variant is not present in population databases (ExAC no frequency). This variant has not been reported in the literature in individuals with JAGN1-related conditions. Algorithms developed to predict the effect of missense changes on protein structure and function are either unavailable or do not agree on the potential impact of this missense change (SIFT: "Deleterious"; PolyPhen-2: "Probably Damaging"; Align-GVGD: "Class C0"). In summary, the available evidence is currently insufficient to determine the role of this variant in disease. Therefore, it has been classified as a Variant of Uncertain Significance.

NM_032492.4(JAGN1):c.46G>T (p.Asp16Tyr)

Gene: JAGN1 (jagunal vesicle mediated transporter 1; plus strand). Cytogenetic location: 3p25.3.
Variant type: single nucleotide variant.
Coding change: c.46G>T on transcript NM_032492.4 (MANE Select); coding-DNA position 46, G replaced by T.
Protein change: p.Asp16Tyr; replaces aspartic acid 16 with tyrosine.
Molecular consequence: missense variant. On other transcripts: 5 prime UTR variant (1).
Genome position (GRCh38, 1-based): chr3:9,890,768, G>T. VCF-style: chr3-9890768-G-T. GRCh37 (hg19) VCF-style: chr3-9932452-G-T.
Other names: c.46G>T, p.Asp16Tyr (LRG_1228t1); c.-223G>T (NM_001363890.1); short protein forms D16Y.
Identifiers: ClinVar variation 658417 (VCV000658417.7), dbSNP rs1177521463, ClinGen allele CA351711884.
Genomic context (GRCh38, chr3:9,890,768, plus strand): 5'-TTCTGGGCAGGCACAATGGCGTCTCGAGCAGGCCCGCGAGCGGCCGGCACCGACGGCAGC[G>T]ACTTTCAGCACCGGGAGCGCGTCGCCATGCACTACCAGATGAGGTATGAAGTGAGGCGAG-3'
Protein context (NP_115881.3, residues 6-26): GPRAAGTDGS[Asp16Tyr]FQHRERVAMH